The following is an entry in ClinVar:

NM_004364.5(CEBPA):c.735C>T (p.Gly245=)

Gene: CEBPA (CCAAT enhancer binding protein alpha; minus strand). Cytogenetic location: 19q13.11.
Variant type: single nucleotide variant.
Coding change: c.735C>T on transcript NM_004364.5 (MANE Select); coding-DNA position 735, C replaced by T.
Protein change: p.Gly245=; no amino-acid change (glycine 245 retained).
Molecular consequence: synonymous variant.
Genome position (GRCh38, 1-based): chr19:33,301,680, G>A on the plus strand (C>T on the coding strand, the complement: CEBPA is on the minus strand). VCF-style: chr19-33301680-G-A. GRCh37 (hg19) VCF-style: chr19-33792586-G-A.
Other names: c.378C>T, p.Gly126= (NM_001285829.2); c.840C>T, p.Gly280= (NM_001287424.2); c.693C>T, p.Gly231= (NM_001287435.2).
Identifiers: ClinVar variation 700172 (VCV000700172.14), dbSNP rs925688689, ClinGen allele CA307844227.

ClinVar aggregate classification (germline): Conflicting classifications of pathogenicity. Review status: criteria provided, conflicting classifications (1 of 4 stars). 4 submissions from 4 submitters: Uncertain significance (1); Likely benign (2). 1 of the submissions does not count toward it. Last evaluated 2026-01-05.

Conditions:
Hereditary cancer-predisposing syndrome. Also called: Neoplastic Syndromes, Hereditary; Hereditary Cancer Syndrome; Hereditary neoplastic syndrome; Tumor predisposition. Identifiers: Orphanet 140162, MedGen C0027672, MeSH D009386, MONDO:0015356.
Inborn genetic diseases. Identifiers: MedGen C0950123, MeSH D030342.
CEBPA-related disorder. Also called: CEBPA-related condition.
Acute myeloid leukemia (AML). Also called: Acute myeloid leukemia, adult; AML adult; Acute non-lymphocytic leukemia; Acute granulocytic leukemia; Leukemia, acute myeloid, somatic; Leukemia, acute myelogenous, somatic. Identifiers: Orphanet 519, MedGen C0023467, MeSH D015470, MONDO:0018874, OMIM 601626, HP:0004808. Disease mechanism: Constitutively activated FLT3.

Allele frequency attached by ClinVar (database versions not stated): gnomAD exomes 0.00001; gnomAD 0.00006 and 0.00007; TOPMed 0.00009.

Submissions (4):

Labcorp Genetics (formerly Invitae), Labcorp
Classification: Likely benign for Acute myeloid leukemia. Last evaluated: 2026-01-05. Review status: criteria provided, single submitter. Criteria: Invitae Variant Classification Sherloc (09022015). Collection method: clinical testing. Allele origin: germline.

Ambry Genetics
Classification: Likely benign for Inborn genetic diseases. Last evaluated: 2025-01-04. Review status: criteria provided, single submitter. Criteria: Ambry Variant Classification Scheme 2023. Collection method: clinical testing. Allele origin: germline.

Sema4
Classification: Uncertain significance for Hereditary cancer-predisposing syndrome. Last evaluated: 2021-09-23. Review status: criteria provided, single submitter. Criteria: Sema4 Curation Guidelines. Collection method: curation. Allele origin: germline.
Comment: The CEBPA c.735C>T (p.G245=) variant has not been reported in the literature to our knowledge. It was observed in 2/8278 chromosomes of the African/African American subpopulation in the large and broad cohorts of the Genome Aggregation Database (PMID: 32461654). The variant has been reported in ClinVar (Variation ID 700172). In silico tools suggest that the variant may have an impact on splicing, though these predictions have not been confirmed by functional studies. The evidence is insufficient to meet ACMG/AMP criteria for classifying the variant as benign or pathogenic. Thus, the clinical significance of this variant is currently uncertain.

PreventionGenetics, part of Exact Sciences
Classification: Likely benign for CEBPA-related condition. Last evaluated: 2024-07-12. Review status: no assertion criteria provided. Collection method: clinical testing. Allele origin: germline. Not counted in ClinVar's aggregate classification.
Comment: This variant is classified as likely benign based on ACMG/AMP sequence variant interpretation guidelines (Richards et al. 2015 PMID: 25741868, with internal and published modifications).